The following is an entry in ClinVar:

ClinVar aggregate classification (germline): Uncertain significance. Review status: criteria provided, multiple submitters, no conflicts (2 of 4 stars). 2 submissions from 2 submitters: Uncertain significance (2). Last evaluated 2022-02-21.

Allele frequency attached by ClinVar (database versions not stated): gnomAD exomes below 0.00001.
gnomAD v4.1: 7 of 1,308,176 alleles (0.00054%); highest among the groups gnomAD compares: African/African-American, 0.0077%; no homozygotes.

Submissions (2):

Labcorp Genetics (formerly Invitae), Labcorp
Classification: Uncertain significance. Last evaluated: 2022-02-21. Review status: criteria provided, single submitter. Criteria: Invitae Variant Classification Sherloc (09022015). Collection method: clinical testing. Allele origin: germline.
Comment: This variant has not been reported in the literature in individuals affected with GLRX5-related conditions. In summary, the available evidence is currently insufficient to determine the role of this variant in disease. Therefore, it has been classified as a Variant of Uncertain Significance. Algorithms developed to predict the effect of missense changes on protein structure and function are either unavailable or do not agree on the potential impact of this missense change (SIFT: "Tolerated"; PolyPhen-2: "Not Available"; Align-GVGD: "Class C0"). This variant is not present in population databases (gnomAD no frequency). This sequence change replaces alanine, which is neutral and non-polar, with threonine, which is neutral and polar, at codon 9 of the GLRX5 protein (p.Ala9Thr).

Ambry Genetics
Classification: Uncertain significance. Last evaluated: 2021-07-21. Review status: criteria provided, single submitter. Criteria: Ambry Variant Classification Scheme 2023. Collection method: clinical testing. Allele origin: germline.

NM_016417.3(GLRX5):c.25G>A (p.Ala9Thr)

Gene: GLRX5 (glutaredoxin 5; plus strand). Cytogenetic location: 14q32.13.
Variant type: single nucleotide variant.
Coding change: c.25G>A on transcript NM_016417.3 (MANE Select); coding-DNA position 25, G replaced by A.
Protein change: p.Ala9Thr; replaces alanine 9 with threonine.
Molecular consequence: missense variant.
Genome position (GRCh38, 1-based): chr14:95,535,114, G>A. VCF-style: chr14-95535114-G-A. GRCh37 (hg19) VCF-style: chr14-96001451-G-A.
Other names: short protein forms A9T.
Identifiers: ClinVar variation 1925333 (VCV001925333.6), dbSNP rs1168665176, ClinGen allele CA390896154.